The following is an entry in ClinVar:

NM_004260.4(RECQL4):c.1995C>G (p.His665Gln)

Gene: RECQL4 (RecQ like helicase 4; minus strand). Cytogenetic location: 8q24.3.
Variant type: single nucleotide variant.
Coding change: c.1995C>G on transcript NM_004260.4 (MANE Select); coding-DNA position 1995, C replaced by G.
Protein change: p.His665Gln; replaces histidine 665 with glutamine.
Molecular consequence: missense variant.
Genome position (GRCh38, 1-based): chr8:144,513,991, G>C on the plus strand (C>G on the coding strand, the complement: RECQL4 is on the minus strand). VCF-style: chr8-144513991-G-C. GRCh37 (hg19) VCF-style: chr8-145739375-G-C.
Other names: short protein forms H665Q.
Identifiers: ClinVar variation 1388463 (VCV001388463.6), dbSNP rs759235313, ClinGen allele CA372680341.
Genomic context (GRCh38, chr8:144,513,991, plus strand): 5'-GTCTGTGTCCCTGTCCATGGACACGGAAAGGTGCAGGTTGGTGGGAACTGGGGCTGGCCC[G>C]TGGAGGTCAGGCTCTTCAGCCACAGCCAGGTGCTGTGCCACGTCACTGGCAGTGCGGCGT-3'
Protein context (NP_004251.4, residues 655-675): HLAVAEEPDL[His665Gln]GPAPVPTNLH

ClinVar aggregate classification (germline): Uncertain significance (1 of 4 stars; one submission).

Conditions:
Baller-Gerold syndrome (BGS). Also called: CRANIOSYNOSTOSIS WITH RADIAL DEFECTS. Identifiers: Orphanet 1225, MedGen C0265308, MONDO:0009039, OMIM 218600.

gnomAD v4.1: 6 of 1,567,056 alleles (0.00038%); highest among the groups gnomAD compares: Non-Finnish European, 0.00052%; no homozygotes.

Submission:

Labcorp Genetics (formerly Invitae), Labcorp
Classification: Uncertain significance for Baller-Gerold syndrome. Last evaluated: 2021-10-31. Review status: criteria provided, single submitter. Criteria: Invitae Variant Classification Sherloc (09022015). Collection method: clinical testing. Allele origin: germline.
Comment: In summary, the available evidence is currently insufficient to determine the role of this variant in disease. Therefore, it has been classified as a Variant of Uncertain Significance. Experimental studies and prediction algorithms are not available or were not evaluated, and the functional significance of this variant is currently unknown. This variant has not been reported in the literature in individuals affected with RECQL4-related conditions. This variant is not present in population databases (gnomAD no frequency). This sequence change replaces histidine, which is basic and polar, with glutamine, which is neutral and polar, at codon 665 of the RECQL4 protein (p.His665Gln).